The following is an entry in ClinVar:

ClinVar aggregate classification (germline): Uncertain significance (1 of 4 stars; one submission).

Conditions:
Encephalopathy, acute, infection-induced (herpes-specific), susceptibility to, 6. Also called: Herpes simplex encephalitis, susceptibility to, 4. Identifiers: Orphanet 1930, MedGen C3553869, MONDO:0013921, OMIM 614850.

Allele frequency attached by ClinVar (database versions not stated): gnomAD exomes below 0.00001.
gnomAD v4.1: 1 of 1,613,900 alleles (0.000062%); highest among the groups gnomAD compares: East Asian, 0.0022%; no homozygotes.

Submission:

Labcorp Genetics (formerly Invitae), Labcorp
Classification: Uncertain significance for Encephalopathy, acute, infection-induced (herpes-specific), susceptibility to, 6. Last evaluated: 2018-06-09. Review status: criteria provided, single submitter. Criteria: Invitae Variant Classification Sherloc (09022015). Collection method: clinical testing. Allele origin: germline.
Comment: This variant is not present in population databases (ExAC no frequency). This sequence change replaces isoleucine with threonine at codon 148 of the TICAM1 protein (p.Ile148Thr). The isoleucine residue is weakly conserved and there is a moderate physicochemical difference between isoleucine and threonine. In summary, the available evidence is currently insufficient to determine the role of this variant in disease. Therefore, it has been classified as a Variant of Uncertain Significance. Algorithms developed to predict the effect of missense changes on protein structure and function (SIFT, PolyPhen-2, Align-GVGD) all suggest that this variant is likely to be tolerated, but these predictions have not been confirmed by published functional studies and their clinical significance is uncertain. This variant has not been reported in the literature in individuals with TICAM1-related disease.

NM_182919.4(TICAM1):c.443T>C (p.Ile148Thr)

Gene: TICAM1 (TIR domain containing adaptor molecule 1; minus strand). Cytogenetic location: 19p13.3.
Variant type: single nucleotide variant.
Coding change: c.443T>C on transcript NM_182919.4 (MANE Select); coding-DNA position 443, T replaced by C.
Protein change: p.Ile148Thr; replaces isoleucine 148 with threonine.
Molecular consequence: missense variant. On other transcripts: intron variant (1).
Genome position (GRCh38, 1-based): chr19:4,817,935, A>G on the plus strand (T>C on the coding strand, the complement: TICAM1 is on the minus strand). VCF-style: chr19-4817935-A-G. GRCh37 (hg19) VCF-style: chr19-4817947-A-G.
Other names: c.401T>C, p.Ile134Thr (NM_001385678.1); c.308T>C, p.Ile103Thr (NM_001385679.1); c.-71-129T>C (NM_001385680.1); short protein forms I148T, I103T, I134T.
Identifiers: ClinVar variation 565737 (VCV000565737.9), dbSNP rs1202936308, ClinGen allele CA403492647.